The following is an entry in ClinVar:

ClinVar aggregate classification (germline): Conflicting classifications of pathogenicity. Review status: criteria provided, conflicting classifications (1 of 4 stars). 2 submissions from 2 submitters: Uncertain significance (1); Likely benign (1). Last evaluated 2025-03-03.

Conditions:
Congenital generalized lipodystrophy type 4. Also called: BERARDINELLI-SEIP CONGENITAL LIPODYSTROPHY, TYPE 4, WITH MUSCULAR DYSTROPHY. Identifiers: Orphanet 228429, MedGen C2750069, MONDO:0013225, OMIM 613327.

Allele frequency attached by ClinVar (database versions not stated): gnomAD exomes 0.00001; TOPMed 0.00001.
gnomAD v4.1: 3 of 1,573,488 alleles (0.00019%); highest among the groups gnomAD compares: Non-Finnish European, 0.00026%; no homozygotes.

Submissions (2):

Mayo Clinic Laboratories, Mayo Clinic
Classification: Likely benign. Last evaluated: 2025-03-03. Review status: criteria provided, single submitter. Criteria: ACMG Guidelines, 2015. Collection method: clinical testing. Allele origin: germline. Observed: 1 variant allele.
Comment: BP4, BP7

Illumina Laboratory Services, Illumina
Classification: Uncertain significance for Congenital generalized lipodystrophy type 4. Last evaluated: 2018-01-12. Review status: criteria provided, single submitter. Criteria: ICSL Variant Classification Criteria 13 December 2019. Collection method: clinical testing. Allele origin: germline.

NM_012232.6(CAVIN1):c.468C>T (p.Tyr156=)

Gene: CAVIN1 (caveolae associated protein 1; minus strand). Cytogenetic location: 17q21.2.
Variant type: single nucleotide variant.
Coding change: c.468C>T on transcript NM_012232.6 (MANE Select); coding-DNA position 468, C replaced by T.
Protein change: p.Tyr156=; no amino-acid change (tyrosine 156 retained).
Molecular consequence: synonymous variant.
Genome position (GRCh38, 1-based): chr17:42,422,630, G>A on the plus strand (C>T on the coding strand, the complement: CAVIN1 is on the minus strand). VCF-style: chr17-42422630-G-A. GRCh37 (hg19) VCF-style: chr17-40574648-G-A.
Other names: p.Tyr156=.
Identifiers: ClinVar variation 889147 (VCV000889147.5), dbSNP rs2085559084, ClinGen allele CA500215790.
Genomic context (GRCh38, chr17:42,422,630, plus strand): 5'-GCAGGGGACGCGGGCCGGGCGCGGGAGCTCTGGGCGCCTTCCGCCCTGTGGGCTCACCTG[G>A]TAGATCATGACTTTAAAGTTGCGGCGCCGCAGCAGCTCGGCCTCGTTGACCTCCAGCTTC-3'
Protein context (NP_036364.2, residues 146-166): LRRRNFKVMI[Tyr156=]QDEVKLPAKL